The following is an entry in ClinVar:

NM_024408.4(NOTCH2):c.6363G>A (p.Lys2121=)

Gene: NOTCH2 (notch receptor 2; minus strand). Cytogenetic location: 1p12.
Variant type: single nucleotide variant.
Coding change: c.6363G>A on transcript NM_024408.4 (MANE Select); coding-DNA position 6363, G replaced by A.
Protein change: p.Lys2121=; no amino-acid change (lysine 2121 retained).
Molecular consequence: synonymous variant.
Genome position (GRCh38, 1-based): chr1:119,916,359, C>T on the plus strand (G>A on the coding strand, the complement: NOTCH2 is on the minus strand). VCF-style: chr1-119916359-C-T. GRCh37 (hg19) VCF-style: chr1-120458982-C-T.
Identifiers: ClinVar variation 2639042 (VCV002639042.24), dbSNP rs144047610, ClinGen allele CA420189920.

ClinVar aggregate classification (germline): Likely benign (1 of 4 stars; one submission).

gnomAD v4.1: 2 of 1,614,174 alleles (0.00012%); highest among the groups gnomAD compares: Middle Eastern, 0.016%; no homozygotes.

Submission:

CeGaT Center for Human Genetics Tuebingen
Classification: Likely benign. Last evaluated: 2023-01-01. Review status: criteria provided, single submitter. Criteria: CeGaT Center For Human Genetics Tuebingen Variant Classification Criteria Version 2. Collection method: clinical testing. Allele origin: germline. Affected: yes. Observed: 1 variant allele.
Comment: NOTCH2: BP4, BP7